The following is an entry in ClinVar:

ClinVar aggregate classification (germline): Uncertain significance (1 of 4 stars; one submission).

Conditions:
Neuropathy, hereditary sensory and autonomic, type 2A (HSAN2A). Also called: HSAN IIA; WNK1-Related HSAN2 (HSAN2A); ACROOSTEOLYSIS, GIACCAI TYPE; ACROOSTEOLYSIS, NEUROGENIC; MORVAN DISEASE; NEUROPATHY, CONGENITAL SENSORY. Identifiers: Orphanet 970, MedGen C2752089, MONDO:0024309, OMIM 201300.
Pseudohypoaldosteronism type 2C (PHA2C). Also called: Pseudohypoaldosteronism Type IIC. Identifiers: Orphanet 757, Orphanet 88940, MedGen C1840391, MONDO:0013778, OMIM 614492.

Allele frequency attached by ClinVar (database versions not stated): gnomAD exomes below 0.00001.
gnomAD v4.1: 1 of 1,609,100 alleles (0.000062%); highest among the groups gnomAD compares: South Asian, 0.0011%; no homozygotes.

Submission:

Labcorp Genetics (formerly Invitae), Labcorp
Classification: Uncertain significance for Neuropathy, hereditary sensory and autonomic, type 2A; Pseudohypoaldosteronism type 2C. Last evaluated: 2024-01-12. Review status: criteria provided, single submitter. Criteria: Invitae Variant Classification Sherloc (09022015). Collection method: clinical testing. Allele origin: germline.
Comment: This sequence change replaces glycine, which is neutral and non-polar, with glutamic acid, which is acidic and polar, at codon 919 of the WNK1 protein (p.Gly919Glu). This variant is not present in population databases (gnomAD no frequency). This variant has not been reported in the literature in individuals affected with WNK1-related conditions. Advanced modeling of protein sequence and biophysical properties (such as structural, functional, and spatial information, amino acid conservation, physicochemical variation, residue mobility, and thermodynamic stability) performed at Invitae indicates that this missense variant is not expected to disrupt WNK1 protein function with a negative predictive value of 95%. In summary, the available evidence is currently insufficient to determine the role of this variant in disease. Therefore, it has been classified as a Variant of Uncertain Significance.

NM_213655.5(WNK1):c.2756G>A (p.Gly919Glu)

Gene: WNK1 (WNK lysine deficient protein kinase 1; plus strand). Cytogenetic location: 12p13.33.
Variant type: single nucleotide variant.
Coding change: c.2756G>A on transcript NM_213655.5 (MANE Plus Clinical); coding-DNA position 2756, G replaced by A.
Protein change: p.Gly919Glu; replaces glycine 919 with glutamic acid.
Molecular consequence: missense variant. On other transcripts: intron variant (2).
Genome position (GRCh38, 1-based): chr12:868,227, G>A. VCF-style: chr12-868227-G-A. GRCh37 (hg19) VCF-style: chr12-977393-G-A.
Other names: c.2501G>A, p.Gly834Glu (NM_001184985.2); c.2140-3038G>A (NM_018979.4, NM_014823.3); short protein forms G834E, G919E.
Identifiers: ClinVar variation 2922150 (VCV002922150.3), dbSNP rs2548788042, ClinGen allele CA383339558.
Genomic context (GRCh38, chr12:868,227, plus strand): 5'-GTGAGATACAGGTCCATCCTATGTTTGAACCATCTCAAGTTTACAGTGACTATAGACCTG[G>A]ACTAGTACTTCCAGAAGAAGCTCACTATTTTATTCCTCAGGAAGCAGTGTATGTAGCTGG-3'
Protein context (NP_998820.3, residues 909-929): PSQVYSDYRP[Gly919Glu]LVLPEEAHYF